The following is an entry in ClinVar:

ClinVar aggregate classification (germline): Uncertain significance (1 of 4 stars; one submission).

gnomAD v4.1: 12 of 1,613,550 alleles (0.00074%); highest among the groups gnomAD compares: Admixed American, 0.0017%; no homozygotes.

Submission:

Labcorp Genetics (formerly Invitae), Labcorp
Classification: Uncertain significance. Last evaluated: 2024-02-03. Review status: criteria provided, single submitter. Criteria: Invitae Variant Classification Sherloc (09022015). Collection method: clinical testing. Allele origin: germline.
Comment: This sequence change falls in intron 6 of the BNC2 gene. It does not directly change the encoded amino acid sequence of the BNC2 protein. It affects a nucleotide within the consensus splice site. This variant is present in population databases (no rsID available, gnomAD 0.0008%). This variant has not been reported in the literature in individuals affected with BNC2-related conditions. Variants that disrupt the consensus splice site are a relatively common cause of aberrant splicing (PMID: 17576681, 9536098). Algorithms developed to predict the effect of sequence changes on RNA splicing suggest that this variant is not likely to affect RNA splicing. In summary, the available evidence is currently insufficient to determine the role of this variant in disease. Therefore, it has been classified as a Variant of Uncertain Significance.

Literature cited by the submitters: PubMed 17576681; PubMed 9536098.

NM_017637.6(BNC2):c.2639+3C>G

Genes: BNC2 (basonuclin zinc finger protein 2; minus strand), LOC126860585 (MED14-independent group 3 enhancer GRCh37_chr9:16435259-16436458; plus strand). Cytogenetic location: 9p22.3.
Variant type: single nucleotide variant.
Coding change: c.2639+3C>G on transcript NM_017637.6 (MANE Select); 3 bases into the intron after coding-DNA position 2639, C replaced by G.
Molecular consequence: intron variant.
Genome position (GRCh38, 1-based): chr9:16,435,552, G>C on the plus strand (C>G on the coding strand, the complement: BNC2 is on the minus strand). VCF-style: chr9-16435552-G-C. GRCh37 (hg19) VCF-style: chr9-16435550-G-C.
Other names: c.2513+3C>G (NM_001317939.2); c.2354+3C>G (NM_001317940.2).
Identifiers: ClinVar variation 3633393 (VCV003633393.2).